The following is an entry in ClinVar:

NM_000397.4(CYBB):c.649A>C (p.Ile217Leu)

Gene: CYBB (cytochrome b-245 beta chain; plus strand). Cytogenetic location: Xp21.1.
Variant type: single nucleotide variant.
Coding change: c.649A>C on transcript NM_000397.4 (MANE Select); coding-DNA position 649, A replaced by C.
Protein change: p.Ile217Leu; replaces isoleucine 217 with leucine.
Molecular consequence: missense variant.
Genome position (GRCh38, 1-based): chrX:37,796,116, A>C. VCF-style: chrX-37796116-A-C. GRCh37 (hg19) VCF-style: chrX-37655369-A-C.
Other names: short protein forms I217L.
Identifiers: ClinVar variation 582113 (VCV000582113.9), dbSNP rs1556468392, ClinGen allele CA412976405.

ClinVar aggregate classification (germline): Uncertain significance (1 of 4 stars; one submission).

Conditions:
Granulomatous disease, chronic, X-linked. Also called: GRANULOMATOUS DISEASE, CHRONIC, X-LINKED, SOMATIC MOSAIC; CYTOCHROME b-NEGATIVE GRANULOMATOUS DISEASE, CHRONIC, X-LINKED. Identifiers: Orphanet 379, MedGen C1844376, MONDO:0010600, OMIM 306400.

Submission:

Labcorp Genetics (formerly Invitae), Labcorp
Classification: Uncertain significance for Granulomatous disease, chronic, X-linked. Last evaluated: 2018-02-01. Review status: criteria provided, single submitter. Criteria: Invitae Variant Classification Sherloc (09022015). Collection method: clinical testing. Allele origin: germline.
Comment: This variant has not been reported in the literature in individuals with CYBB-related disease. This variant is not present in population databases (ExAC no frequency). This sequence change replaces isoleucine with leucine at codon 217 of the CYBB protein (p.Ile217Leu). The isoleucine residue is highly conserved and there is a small physicochemical difference between isoleucine and leucine. Algorithms developed to predict the effect of missense changes on protein structure and function do not agree on the potential impact of this missense change (SIFT: "Deleterious"; PolyPhen-2: "Benign"; Align-GVGD: "Class C0"). In summary, the available evidence is currently insufficient to determine the role of this variant in disease. Therefore, it has been classified as a Variant of Uncertain Significance.